The following is an entry in ClinVar:

NM_002076.4(GNS):c.568G>C (p.Gly190Arg)

Gene: GNS (glucosamine (N-acetyl)-6-sulfatase; minus strand). Cytogenetic location: 12q14.3.
Variant type: single nucleotide variant.
Coding change: c.568G>C on transcript NM_002076.4 (MANE Select); coding-DNA position 568, G replaced by C.
Protein change: p.Gly190Arg; replaces glycine 190 with arginine.
Molecular consequence: missense variant.
Genome position (GRCh38, 1-based): chr12:64,744,865, C>G on the plus strand (G>C on the coding strand, the complement: GNS is on the minus strand). VCF-style: chr12-64744865-C-G. GRCh37 (hg19) VCF-style: chr12-65138645-C-G.
Other names: short protein forms G190R.
Identifiers: ClinVar variation 3656486 (VCV003656486.2).

ClinVar aggregate classification (germline): Uncertain significance (1 of 4 stars; one submission).

Conditions:
Mucopolysaccharidosis, MPS-III-D (MPS3D). Also called: N-ACETYLGLUCOSAMINE-6-SULFATASE DEFICIENCY; SANFILIPPO SYNDROME D; MPS III D; Mucopoly-saccharidosis type 3D; N-acetylglucosamine-6-sulfate sulfatase deficiency; MPS 3D. Identifiers: Orphanet 581, Orphanet 79272, MedGen C0086650, MONDO:0009658, OMIM 252940.

Submission:

Labcorp Genetics (formerly Invitae), Labcorp
Classification: Uncertain significance for Mucopolysaccharidosis, MPS-III-D. Last evaluated: 2024-06-13. Review status: criteria provided, single submitter. Criteria: Invitae Variant Classification Sherloc (09022015). Collection method: clinical testing. Allele origin: germline.
Comment: This sequence change replaces glycine, which is neutral and non-polar, with arginine, which is basic and polar, at codon 190 of the GNS protein (p.Gly190Arg). This variant is not present in population databases (gnomAD no frequency). This variant has not been reported in the literature in individuals affected with GNS-related conditions. Advanced modeling of protein sequence and biophysical properties (such as structural, functional, and spatial information, amino acid conservation, physicochemical variation, residue mobility, and thermodynamic stability) has been performed at Invitae for this missense variant, however the output from this modeling did not meet the statistical confidence thresholds required to predict the impact of this variant on GNS protein function. In summary, the available evidence is currently insufficient to determine the role of this variant in disease. Therefore, it has been classified as a Variant of Uncertain Significance.